The following is an entry in ClinVar:

NM_000337.6(SGCD):c.731C>T (p.Pro244Leu)

Gene: SGCD (sarcoglycan delta; plus strand). Cytogenetic location: 5q33.3.
Variant type: single nucleotide variant.
Coding change: c.731C>T on transcript NM_000337.6 (MANE Select); coding-DNA position 731, C replaced by T.
Protein change: p.Pro244Leu; replaces proline 244 with leucine.
Molecular consequence: missense variant.
Genome position (GRCh38, 1-based): chr5:156,759,248, C>T. VCF-style: chr5-156759248-C-T. GRCh37 (hg19) VCF-style: chr5-156186259-C-T.
Other names: c.728C>T, p.Pro243Leu (NM_001128209.2); short protein forms P244L, P243L.
Identifiers: ClinVar variation 43356 (VCV000043356.14), dbSNP rs375159661, ClinGen allele CA132469.

ClinVar aggregate classification (germline): Uncertain significance. Review status: criteria provided, multiple submitters, no conflicts (2 of 4 stars). 6 submissions from 5 submitters: Uncertain significance (5). 1 of the submissions does not count toward it. Last evaluated 2023-02-08.

Conditions:
Dilated cardiomyopathy 1L (CMD1L). Identifiers: Orphanet 154, MedGen C1847667, MONDO:0011702, OMIM 606685.
Autosomal recessive limb-girdle muscular dystrophy type 2F (LGMDR6). Also called: Muscular dystrophy limb-girdle with delta-sarcoglyan deficiency; MUSCULAR DYSTROPHY, LIMB-GIRDLE, AUTOSOMAL RECESSIVE 6. Identifiers: Orphanet 219, MedGen C1832525, MONDO:0011028, OMIM 601287. Disease mechanism: Affects gamma-sarcoglycan and also disrupts the integrity of the entire sarcoglycan complex..

Allele frequency attached by ClinVar (database versions not stated): TOPMed 0.00003; ExAC 0.00005; gnomAD exomes 0.00006 and 0.00003; ESP Exome Variant Server 0.00016; gnomAD 0.00003.
gnomAD v4.1: 87 of 1,613,652 alleles (0.0054%); highest among the groups gnomAD compares: Non-Finnish European, 0.0073%; no homozygotes.

Submissions (6):

Genome-Nilou Lab
Classification: Uncertain significance for Autosomal recessive limb-girdle muscular dystrophy type 2F. Last evaluated: 2023-02-08. Review status: criteria provided, single submitter. Criteria: ACMG Guidelines, 2015. Collection method: clinical testing. Allele origin: germline.

Genome-Nilou Lab
Classification: Uncertain significance for Dilated cardiomyopathy 1L. Last evaluated: 2023-02-08. Review status: criteria provided, single submitter. Criteria: ACMG Guidelines, 2015. Collection method: clinical testing. Allele origin: germline.

Labcorp Genetics (formerly Invitae), Labcorp
Classification: Uncertain significance for Autosomal recessive limb-girdle muscular dystrophy type 2F. Last evaluated: 2022-05-14. Review status: criteria provided, single submitter. Criteria: Invitae Variant Classification Sherloc (09022015). Collection method: clinical testing. Allele origin: germline.
Comment: This sequence change replaces proline, which is neutral and non-polar, with leucine, which is neutral and non-polar, at codon 244 of the SGCD protein (p.Pro244Leu). This variant is present in population databases (rs375159661, gnomAD 0.006%). This missense change has been observed in individual(s) with dilated cardiomyopathy (PMID: 24503780). ClinVar contains an entry for this variant (Variation ID: 43356). Algorithms developed to predict the effect of missense changes on protein structure and function (SIFT, PolyPhen-2, Align-GVGD) all suggest that this variant is likely to be tolerated. In summary, the available evidence is currently insufficient to determine the role of this variant in disease. Therefore, it has been classified as a Variant of Uncertain Significance.

Eurofins Ntd Llc (ga)
Classification: Uncertain significance. Last evaluated: 2017-04-04. Review status: criteria provided, single submitter. Criteria: EGL Classification Definitions 2015. Collection method: clinical testing. Allele origin: germline. Observed: 2 variant alleles, 2 heterozygotes.

Laboratory for Molecular Medicine, Mass General Brigham Personalized Medicine
Classification: Uncertain significance. Last evaluated: 2012-05-25. Review status: criteria provided, single submitter. Criteria: LMM Criteria. Collection method: clinical testing. Allele origin: germline. Observed: 1 variant allele.
Comment: The Pro244Leu variant in SGCD has been identified in 2/6712 European American ch romosomes from a broad population by the NHLBI Exome Sequencing Project. Computational analyses (biochemical amino acid prope rties, conservation, AlignGVGD, PolyPhen2, and SIFT) suggest that the Pro244Leu variant may not impact the protein, though this information is not predictive en ough to rule out pathogenicity. Additional information is needed to fully assess the clinical significance of this variant.

Counsyl
Classification: Uncertain significance for Dilated cardiomyopathy 1L; Autosomal recessive limb-girdle muscular dystrophy type 2F. Last evaluated: 2017-12-07. Review status: no assertion criteria provided. Collection method: clinical testing. Allele origin: unknown. Not counted in ClinVar's aggregate classification.

Literature cited by the submitters: PubMed 24503780 (cited by Labcorp Genetics (formerly Invitae), Labcorp and Counsyl).